The following is an entry in ClinVar:

ClinVar aggregate classification (germline): Uncertain significance. Review status: criteria provided, multiple submitters, no conflicts (2 of 4 stars). 3 submissions from 3 submitters: Uncertain significance (3). Last evaluated 2026-01-05.

Conditions:
Developmental and epileptic encephalopathy, 42 (DEE42A). Also called: DEVELOPMENTAL AND EPILEPTIC ENCEPHALOPATHY 42A; EPILEPTIC ENCEPHALOPATHY, EARLY INFANTILE, 42A; Epileptic encephalopathy, early infantile, 42. Identifiers: MedGen C4310716, MONDO:0014917, OMIM 617106.
Episodic ataxia type 2 (EA2). Also called: ACETAZOLAMIDE-RESPONSIVE HEREDITARY PAROXYSMAL CEREBELLAR ATAXIA; ATAXIA, EPISODIC, WITH NYSTAGMUS; ATAXIA, FAMILIAL PAROXYSMAL; CEREBELLAR ATAXIA, PAROXYSMAL, ACETAZOLAMIDE-RESPONSIVE; CEREBELLOPATHY, HEREDITARY PAROXYSMAL; EPISODIC ATAXIA, NYSTAGMUS-ASSOCIATED. Identifiers: Orphanet 97, MedGen C1720416, MONDO:0007163, OMIM 108500.
Inborn genetic diseases. Identifiers: MedGen C0950123, MeSH D030342.

Submissions (3):

Ambry Genetics
Classification: Uncertain significance for Inborn genetic diseases. Last evaluated: 2026-01-05. Review status: criteria provided, single submitter. Criteria: Ambry Variant Classification Scheme 2023. Collection method: clinical testing. Allele origin: germline.

GeneDx
Classification: Uncertain significance. Last evaluated: 2025-01-07. Review status: criteria provided, single submitter. Criteria: GeneDx Variant Classification Process June 2021. Collection method: clinical testing. Allele origin: germline. Affected: yes.
Comment: Not observed at significant frequency in large population cohorts (gnomAD); In silico analysis supports that this missense variant has a deleterious effect on protein structure/function; Has not been previously published as pathogenic or benign to our knowledge

Labcorp Genetics (formerly Invitae), Labcorp
Classification: Uncertain significance for Developmental and epileptic encephalopathy, 42; Episodic ataxia type 2. Last evaluated: 2022-10-17. Review status: criteria provided, single submitter. Criteria: Invitae Variant Classification Sherloc (09022015). Collection method: clinical testing. Allele origin: germline.
Comment: In summary, the available evidence is currently insufficient to determine the role of this variant in disease. Therefore, it has been classified as a Variant of Uncertain Significance. This sequence change replaces threonine, which is neutral and polar, with asparagine, which is neutral and polar, at codon 1230 of the CACNA1A protein (p.Thr1230Asn). This variant is not present in population databases (gnomAD no frequency). This variant has not been reported in the literature in individuals affected with CACNA1A-related conditions. Advanced modeling of protein sequence and biophysical properties (such as structural, functional, and spatial information, amino acid conservation, physicochemical variation, residue mobility, and thermodynamic stability) performed at Invitae indicates that this missense variant is not expected to disrupt CACNA1A protein function.

NM_001127222.2(CACNA1A):c.3686C>A (p.Thr1229Asn)

Gene: CACNA1A (calcium voltage-gated channel subunit alpha1 A; minus strand). Cytogenetic location: 19p13.13.
Variant type: single nucleotide variant.
Coding change: c.3686C>A on transcript NM_001127222.2 (MANE Select); coding-DNA position 3686, C replaced by A.
Protein change: p.Thr1229Asn; replaces threonine 1229 with asparagine.
Molecular consequence: missense variant.
Genome position (GRCh38, 1-based): chr19:13,285,074, G>T on the plus strand (C>A on the coding strand, the complement: CACNA1A is on the minus strand). VCF-style: chr19-13285074-G-T. GRCh37 (hg19) VCF-style: chr19-13395888-G-T.
Other names: c.3698C>A, p.Thr1233Asn (NM_000068.4, NM_023035.3); c.3689C>A, p.Thr1230Asn (NM_001127221.2, NM_001174080.2); short protein forms T1229N, T1230N, T1233N.
Identifiers: ClinVar variation 2052873 (VCV002052873.6), dbSNP rs2512848134, ClinGen allele CA404340836.
Genomic context (GRCh38, chr19:13,285,074, plus strand): 5'-CCACCCTGGTGGGAGCCCCAGGCCCCCCCTGCCCTTGCTGGGGGCCATACTCACGGGTTG[G>T]TCGTGGACAGGATGAACATGGAGCTATAGGGAGGCATTGGCTTAGGGCCGTCTTCCCCAC-3'
Protein context (NP_001120694.1, residues 1219-1239): PYSSMFILST[Thr1229Asn]NPLRRLCHYI